The following is an entry in ClinVar:

ClinVar aggregate classification (germline): Uncertain significance (1 of 4 stars; one submission).

Submission:

Labcorp Genetics (formerly Invitae), Labcorp
Classification: Uncertain significance. Last evaluated: 2022-12-06. Review status: criteria provided, single submitter. Criteria: Invitae Variant Classification Sherloc (09022015). Collection method: clinical testing. Allele origin: germline.
Comment: In summary, the available evidence is currently insufficient to determine the role of this variant in disease. Therefore, it has been classified as a Variant of Uncertain Significance. This sequence change replaces isoleucine, which is neutral and non-polar, with valine, which is neutral and non-polar, at codon 109 of the DNA2 protein (p.Ile109Val). This variant is not present in population databases (gnomAD no frequency). This variant has not been reported in the literature in individuals affected with DNA2-related conditions. Advanced modeling of protein sequence and biophysical properties (such as structural, functional, and spatial information, amino acid conservation, physicochemical variation, residue mobility, and thermodynamic stability) performed at Invitae indicates that this missense variant is not expected to disrupt DNA2 protein function. Algorithms developed to predict the effect of sequence changes on RNA splicing suggest that this variant may create or strengthen a splice site.

NM_001080449.3(DNA2):c.325A>G (p.Ile109Val)

Gene: DNA2 (DNA replication helicase/nuclease 2; minus strand). Cytogenetic location: 10q21.3.
Variant type: single nucleotide variant.
Coding change: c.325A>G on transcript NM_001080449.3 (MANE Select); coding-DNA position 325, A replaced by G.
Protein change: p.Ile109Val; replaces isoleucine 109 with valine.
Molecular consequence: missense variant. On other transcripts: non-coding transcript variant (1).
Genome position (GRCh38, 1-based): chr10:68,468,239, T>C on the plus strand (A>G on the coding strand, the complement: DNA2 is on the minus strand). VCF-style: chr10-68468239-T-C. GRCh37 (hg19) VCF-style: chr10-70227996-T-C.
Other names: short protein forms I109V.
Identifiers: ClinVar variation 3014643 (VCV003014643.3), dbSNP rs2494015137, ClinGen allele CA376830006.